The following is an entry in ClinVar:

NM_001105206.3(LAMA4):c.5444dup (p.Ser1816fs)

Gene: LAMA4 (laminin subunit alpha 4; minus strand). Cytogenetic location: 6q21.
Variant type: Duplication.
Coding change: c.5444dup on transcript NM_001105206.3 (MANE Select); coding-DNA position 5444, one base duplicated (T; older notation c.5444dupT).
Protein change: p.Ser1816fs; shifts the reading frame from serine 1816.
Molecular consequence: frameshift variant.
Genome position (GRCh38, 1-based): chr6:112,109,465, A duplicated on the plus strand (T on the coding strand, the reverse complement: LAMA4 is on the minus strand). VCF-style (leftmost placement, unchanged base first): chr6-112109464-T-TA. GRCh37 (hg19) VCF-style: chr6-112430667-T-TA.
Other names: c.5423dup (NM_002290.4, LRG_433t2); c.5423dup, p.Ser1809fs (NM_001105207.3, NM_002290.5); short protein forms S1816fs, S1809fs.
Identifiers: ClinVar variation 213603 (VCV000213603.12), dbSNP rs782327744, ClinGen allele CA324282.
Genomic context (GRCh38, chr6:112,109,464, plus strand): 5'-AACTTTGTATTTGGGCAGCTGTGCTCTGTCATGTCAGGCTGCTGGACAGGAGTTGATGCT[T>TA]ACGGCGCCGCTGACCAGGGCTGCTTTACTGAAGCTCACTGGGTGTCCATCAATCACAAAG-3'

ClinVar aggregate classification (germline): Conflicting classifications of pathogenicity. Review status: criteria provided, conflicting classifications (1 of 4 stars). 3 submissions from 3 submitters: Uncertain significance (1); Likely benign (2). Last evaluated 2025-06-02.

Conditions:
Cardiovascular phenotype. Identifiers: MedGen CN230736.
Dilated cardiomyopathy 1JJ (CMD1JJ). Identifiers: Orphanet 154, MedGen C3808935, MONDO:0014095, OMIM 615235.

Allele frequency attached by ClinVar (database versions not stated): gnomAD exomes 0.00004 and 0.00011; gnomAD 0.00006; TOPMed 0.00007; ExAC 0.00010; ESP Exome Variant Server 0.00016.

Submissions (3):

Labcorp Genetics (formerly Invitae), Labcorp
Classification: Likely benign for Dilated cardiomyopathy 1JJ. Last evaluated: 2025-06-02. Review status: criteria provided, single submitter. Criteria: Invitae Variant Classification Sherloc (09022015). Collection method: clinical testing. Allele origin: germline.

Ambry Genetics
Classification: Likely benign for Cardiovascular phenotype. Last evaluated: 2023-03-20. Review status: criteria provided, single submitter. Criteria: Ambry Variant Classification Scheme 2023. Collection method: clinical testing. Allele origin: germline.

GeneDx
Classification: Uncertain significance. Last evaluated: 2014-02-07. Review status: criteria provided, single submitter. Criteria: GeneDx Variant Classification (06012015). Collection method: clinical testing. Allele origin: germline. Affected: yes.
Comment: c.5423dupT: p.Ser1809LysfsX11 (S1809KfsX11) in exon 39 of the LAMA4 gene (NM_002290.3). The normal sequence with the base that is duplicated in braces is: GCCG{T}AAGC. Although rare, mutations in the LAMA4 gene have been reported in association with dilated cardiomyopathy (Knll R et al., 2007). The c.5423dupT variant in the LAMA4 gene has not been reported to our knowledge, this variant causes a shift in reading frame starting at codon Serine 1809, changing it to a Lysine, and creating a stop codon at position 11 of the new reading frame, denoted p.Ser1809LysfsX11. This variant is expected to result in an abnormal protein product. The c.5423dupT variant was not observed with any significant frequency in approximately 6500 individuals of European and African American ancestry in the NHLBI Exome Sequencing Project. With the clinical and molecular information available at this time, we cannot definitively determine if c.5423dupT is a disease-causing mutation or a rare benign variant. This variant was found in CARDIOMYOPATHY